The following is an entry in ClinVar:

NM_000198.4(HSD3B2):c.931C>T (p.Gln311Ter)

Gene: HSD3B2 (hydroxy-delta-5-steroid dehydrogenase, 3 beta- and steroid delta-isomerase 2; plus strand). Cytogenetic location: 1p12.
Variant type: single nucleotide variant.
Coding change: c.931C>T on transcript NM_000198.4 (MANE Select); coding-DNA position 931, C replaced by T.
Protein change: p.Gln311Ter; replaces glutamine 311 with a stop codon.
Molecular consequence: nonsense.
Genome position (GRCh38, 1-based): chr1:119,422,432, C>T. VCF-style: chr1-119422432-C-T. GRCh37 (hg19) VCF-style: chr1-119965055-C-T.
Other names: c.931C>T, p.Gln311Ter (NM_001166120.2); short protein forms Q311*.
Identifiers: ClinVar variation 937691 (VCV000937691.14), dbSNP rs781213951, ClinGen allele CA1036063.

ClinVar aggregate classification (germline): Pathogenic/Likely pathogenic. Review status: criteria provided, multiple submitters, no conflicts (2 of 4 stars). 4 submissions from 4 submitters: Pathogenic (2); Likely pathogenic (2). Last evaluated 2026-01-30.

Conditions:
HSD3B2-related disorder. Also called: HSD3B2-related condition.
Congenital adrenal hyperplasia. Identifiers: Orphanet 418, MedGen C0001627, MONDO:0018479, HP:0008258.
3 beta-Hydroxysteroid dehydrogenase deficiency. Also called: 3-BETA-HSD DEFICIENCY; ADRENAL HYPERPLASIA II; ADRENAL HYPERPLASIA, CONGENITAL, DUE TO 3-BETA-HYDROXYSTEROID DEHYDROGENASE 2 DEFICIENCY; Congenital adrenal hyperplasia due to 3-beta-hydroxysteroid dehydrogenase deficiency; 3b-hydroxysteroid dehydrogenase deficiency. Identifiers: Orphanet 90791, MedGen C0342471, MeSH C538236, MONDO:0008727, OMIM 201810. Disease mechanism: loss of function.

Allele frequency attached by ClinVar (database versions not stated): gnomAD exomes below 0.00001; TOPMed below 0.00001; ExAC 0.00001.

Submissions (4):

PreventionGenetics, part of Exact Sciences
Classification: Pathogenic for HSD3B2-related condition. Last evaluated: 2026-01-30. Review status: criteria provided, single submitter. Criteria: ACMG Guidelines, 2015. Collection method: clinical testing. Allele origin: germline.
Comment: The HSD3B2 c.931C>T variant is predicted to result in premature protein termination (p.Gln311*). This variant has been reported to be pathogenic for autosomal recessive congenital adrenal hyperplasia (Eggers et al. 2016. PubMed ID: 27899157, Suppl. Table 1; Teasdale et al. 2017. PubMed ID: 28207417; Aslaksen et al. 2019. PubMed ID: 31611844). This variant is reported in 0.00088% of alleles in individuals of European (Non-Finnish) descent in gnomAD. Nonsense variants in HSD3B2 are expected to be pathogenic. This variant is interpreted as pathogenic.

Labcorp Genetics (formerly Invitae), Labcorp
Classification: Likely pathogenic. Last evaluated: 2025-12-08. Review status: criteria provided, single submitter. Criteria: Invitae Variant Classification Sherloc (09022015). Collection method: clinical testing. Allele origin: germline.
Comment: This sequence change creates a premature translational stop signal (p.Gln311*) in the HSD3B2 gene. While this is not anticipated to result in nonsense mediated decay, it is expected to disrupt the last 62 amino acid(s) of the HSD3B2 protein. This variant is present in population databases (rs781213951, gnomAD 0.0009%). This premature translational stop signal has been observed in individual(s) with congenital adrenal hyperplasia or an unspecified disorder of sexual development (PMID: 27899157, 28207417). ClinVar contains an entry for this variant (Variation ID: 937691). This variant disrupts the C-terminus of the HSD3B2 protein, which has been demonstrated to be critical for enzymatic activity (PMID: 1825279). While functional studies have not been performed to directly test the effect of this variant on HSD3B2 protein function, this suggests that disruption of this region of the protein is causative of disease. In summary, the currently available evidence indicates that the variant is pathogenic, but additional data are needed to prove that conclusively. Therefore, this variant has been classified as Likely Pathogenic.

Natera, Inc.
Classification: Likely pathogenic for 3 beta hydroxysteroid dehydrogenase deficiency. Last evaluated: 2025-03-22. Review status: criteria provided, single submitter. Criteria: Natera Variant Classification Schema (03/2026). Collection method: clinical testing. Allele origin: germline.
Comment: The c.931C>T variant in HSD3B2 is a nonsense variant predicted to introduce a stop codon at amino acid 311. This variant is expected to result in nonsense mediated decay, truncation, or a dysfunctional protein product. This variant is rare in the general population with a frequency below the threshold expected for the associated phenotype(s). This variant has been observed in one or more individuals affected with the associated recessive disease, as either homozygous or compound heterozygous with a second variant (PMID: 28207417). Given the available evidence, this variant is classified as Likely Pathogenic.

Women's Health and Genetics/Laboratory Corporation of America, LabCorp
Classification: Pathogenic for Congenital adrenal hyperplasia. Last evaluated: 2023-12-11. Review status: criteria provided, single submitter. Criteria: LabCorp Variant Classification Summary - May 2015. Collection method: clinical testing. Allele origin: germline.
Comment: Variant summary: HSD3B2 c.931C>T (p.Gln311X) results in a premature termination codon, predicted to cause a truncation of the encoded protein, which is a commonly known mechanism for disease. Variants downstream of this position have been classified as pathogenic by our laboratory (example, c.1064G>A p.Trp355X). The variant allele was found at a frequency of 4e-06 in 251330 control chromosomes. c.931C>T has been reported in the literature in at-least one individual affected with Congenital Adrenal Hyperplasia (example, Eggers_2016). To our knowledge, no experimental evidence demonstrating an impact on protein function has been reported. The following publication have been ascertained in the context of this evaluation (PMID: 27899157). Three submitters have cited clinical-significance assessments for this variant to ClinVar after 2014. All submitters classified the variant as pathogenic/likely pathogenic. Based on the evidence outlined above, the variant was classified as pathogenic.

Literature cited by the submitters: PubMed 27899157 (cited by Labcorp Genetics (formerly Invitae), Labcorp and Women's Health and Genetics/Laboratory Corporation of America, LabCorp); PubMed 28207417 (cited by Labcorp Genetics (formerly Invitae), Labcorp and Natera, Inc.); PubMed 1825279 (cited by Labcorp Genetics (formerly Invitae), Labcorp).